The following is an entry in ClinVar:

NM_004064.5(CDKN1B):c.484A>T (p.Thr162Ser)

Gene: CDKN1B (cyclin dependent kinase inhibitor 1B; plus strand). Cytogenetic location: 12p13.1.
Variant type: single nucleotide variant.
Coding change: c.484A>T on transcript NM_004064.5 (MANE Select); coding-DNA position 484, A replaced by T.
Protein change: p.Thr162Ser; replaces threonine 162 with serine.
Molecular consequence: missense variant.
Genome position (GRCh38, 1-based): chr12:12,718,833, A>T. VCF-style: chr12-12718833-A-T. GRCh37 (hg19) VCF-style: chr12-12871767-A-T.
Other names: short protein forms T162S.
Identifiers: ClinVar variation 3830968 (VCV003830968.2).

ClinVar aggregate classification (germline): Uncertain significance (1 of 4 stars; one submission).

Conditions:
Hereditary cancer-predisposing syndrome. Also called: Hereditary neoplastic syndrome; Neoplastic Syndromes, Hereditary; Tumor predisposition; Hereditary Cancer Syndrome. Identifiers: Orphanet 140162, MedGen C0027672, MeSH D009386, MONDO:0015356.

Submission:

Ambry Genetics
Classification: Uncertain significance for Hereditary cancer-predisposing syndrome. Last evaluated: 2025-06-10. Review status: criteria provided, single submitter. Criteria: Ambry Variant Classification Scheme 2023. Collection method: clinical testing. Allele origin: germline.
Comment: The p.T162S variant (also known as c.484A>T), located in coding exon 2 of the CDKN1B gene, results from an A to T substitution at nucleotide position 484. The threonine at codon 162 is replaced by serine, an amino acid with similar properties. This amino acid position is poorly conserved in available vertebrate species. In addition, this alteration is predicted to be tolerated by in silico analysis. Based on the available evidence, the clinical significance of this variant remains unclear.